The following is an entry in ClinVar:

NM_004415.4(DSP):c.3338del (p.Arg1113fs)

Gene: DSP (desmoplakin; plus strand). Cytogenetic location: 6p24.3.
Variant type: Deletion.
Coding change: c.3338del on transcript NM_004415.4 (MANE Select); coding-DNA position 3338, one base deleted (G; older notation c.3338delG).
Protein change: p.Arg1113fs; shifts the reading frame from arginine 1113.
Molecular consequence: frameshift variant.
Genome position (GRCh38, 1-based): chr6:7,579,528, G deleted. VCF-style (leftmost placement, unchanged base first): chr6-7579527-CG-C. GRCh37 (hg19) VCF-style: chr6-7579760-CG-C.
Other names: c.3338del, p.Arg1113fs (NM_001008844.3, NM_001319034.2); short protein forms R1113fs.
Identifiers: ClinVar variation 1072032 (VCV001072032.16), dbSNP rs2113691528, ClinGen allele CA2499218556.

ClinVar aggregate classification (germline): Pathogenic. Review status: criteria provided, multiple submitters, no conflicts (2 of 4 stars). 2 submissions from 2 submitters: Pathogenic (2). Last evaluated 2024-08-06.

Conditions:
Arrhythmogenic right ventricular dysplasia 8 (ARVD8). Also called: Arrhythmogenic Right Ventricular Dysplasia/Cardiomyopathy 8; ARRHYTHMOGENIC RIGHT VENTRICULAR DYSPLASIA, FAMILIAL, 8; ARRHYTHMOGENIC RIGHT VENTRICULAR CARDIOMYOPATHY 8. Identifiers: MedGen C1843896, MONDO:0011831, OMIM 607450.
Arrhythmogenic cardiomyopathy with wooly hair and keratoderma. Also called: PALMOPLANTAR KERATODERMA WITH LEFT VENTRICULAR CARDIOMYOPATHY AND WOOLLY HAIR; Carvajal syndrome; Arrhythmogenic cardiomyopathy with woolly hair and keratoderma; Dilated cardiomyopathy with woolly hair and keratoderma. Identifiers: Orphanet 65282, MedGen C1854063, MONDO:0011581, OMIM 605676.

Submissions (2):

GeneDx
Classification: Pathogenic. Last evaluated: 2024-08-06. Review status: criteria provided, single submitter. Criteria: GeneDx Variant Classification Process June 2021. Collection method: clinical testing. Allele origin: germline. Affected: yes.
Comment: Has not been previously published as pathogenic or benign to our knowledge; Not observed at significant frequency in large population cohorts (gnomAD); Frameshift variant predicted to result in protein truncation or nonsense mediated decay in a gene for which loss-of-function is a known mechanism of disease

Labcorp Genetics (formerly Invitae), Labcorp
Classification: Pathogenic for Arrhythmogenic cardiomyopathy with wooly hair and keratoderma; Arrhythmogenic right ventricular dysplasia 8. Last evaluated: 2022-04-28. Review status: criteria provided, single submitter. Criteria: Invitae Variant Classification Sherloc (09022015). Collection method: clinical testing. Allele origin: germline.
Comment: This sequence change creates a premature translational stop signal (p.Arg1113Hisfs*2) in the DSP gene. It is expected to result in an absent or disrupted protein product. Loss-of-function variants in DSP are known to be pathogenic (PMID: 20716751, 24503780, 25227139). For these reasons, this variant has been classified as Pathogenic. ClinVar contains an entry for this variant (Variation ID: 1072032). This variant has not been reported in the literature in individuals affected with DSP-related conditions. This variant is not present in population databases (gnomAD no frequency).

Literature cited by the submitters: PubMed 20716751 (cited by Labcorp Genetics (formerly Invitae), Labcorp); PubMed 24503780 (cited by Labcorp Genetics (formerly Invitae), Labcorp); PubMed 25227139 (cited by Labcorp Genetics (formerly Invitae), Labcorp).